The following is an entry in ClinVar:

ClinVar aggregate classification (germline): Conflicting classifications of pathogenicity. Review status: criteria provided, conflicting classifications (1 of 4 stars). 5 submissions from 4 submitters: Uncertain significance (4); Likely benign (1). Last evaluated 2024-04-09.

Conditions:
Bardet-Biedl syndrome 8 (BBS8). Identifiers: Orphanet 110, MedGen C1859566, MONDO:0014436, OMIM 615985.
Inborn genetic diseases. Identifiers: MedGen C0950123, MeSH D030342.
Retinitis pigmentosa (RP). Identifiers: Orphanet 791, MedGen C0035334, MeSH D012174, MONDO:0019200, OMIM 268000. Inheritance: Autosomal dominant, autosomal recessive and X linked inheritance.
Bardet-Biedl syndrome (BBS). Identifiers: Orphanet 110, MedGen C0752166, MONDO:0015229.
Retinal dystrophy. Also called: Inherited retinal dystrophy. Identifiers: Orphanet 71862, MedGen C0854723, MeSH D058499, MONDO:0019118, HP:0000556.

Allele frequency attached by ClinVar (database versions not stated): gnomAD 0.00002 and 0.00003; TOPMed 0.00002; gnomAD exomes 0.00004 and 0.00008; ExAC 0.00018; 1000 Genomes Project 0.00040; 1000 Genomes Project 30x 0.00047.
gnomAD v4.1: 64 of 1,607,368 alleles (0.004%); highest among the groups gnomAD compares: East Asian, 0.14%; 1 homozygote.

Submissions (5):

Ambry Genetics
Classification: Uncertain significance for Inborn genetic diseases. Last evaluated: 2024-04-09. Review status: criteria provided, single submitter. Criteria: Ambry Variant Classification Scheme 2023. Collection method: clinical testing. Allele origin: germline.

Dept Of Ophthalmology, Nagoya University
Classification: Likely benign for Retinal dystrophy. Last evaluated: 2023-10-01. Review status: criteria provided, single submitter. Criteria: Submitter's publication. Collection method: research. Allele origin: germline. Affected: yes.

Labcorp Genetics (formerly Invitae), Labcorp
Classification: Uncertain significance for Bardet-Biedl syndrome. Last evaluated: 2023-08-30. Review status: criteria provided, single submitter. Criteria: Invitae Variant Classification Sherloc (09022015). Collection method: clinical testing. Allele origin: germline.
Comment: In summary, the available evidence is currently insufficient to determine the role of this variant in disease. Therefore, it has been classified as a Variant of Uncertain Significance. An algorithm developed to predict the effect of missense changes on protein structure and function (PolyPhen-2) suggests that this variant¬†is likely to be tolerated. ClinVar contains an entry for this variant (Variation ID: 314797). This variant has not been reported in the literature in individuals affected with TTC8-related conditions. This variant is present in population databases (rs199571677, gnomAD 0.09%). This sequence change replaces serine, which is neutral and polar, with asparagine, which is neutral and polar, at codon 2 of the TTC8 protein (p.Ser2Asn).

Illumina Laboratory Services, Illumina
Classification: Uncertain significance for Retinitis pigmentosa. Last evaluated: 2018-01-13. Review status: criteria provided, single submitter. Criteria: ICSL Variant Classification Criteria 13 December 2019. Collection method: clinical testing. Allele origin: germline.

Illumina Laboratory Services, Illumina
Classification: Uncertain significance for Bardet-Biedl syndrome 8. Last evaluated: 2018-01-13. Review status: criteria provided, single submitter. Criteria: ICSL Variant Classification Criteria 13 December 2019. Collection method: clinical testing. Allele origin: germline.

NM_144596.4(TTC8):c.5G>A (p.Ser2Asn)

Gene: TTC8 (tetratricopeptide repeat domain 8; plus strand). Cytogenetic location: 14q31.3.
Variant type: single nucleotide variant.
Coding change: c.5G>A on transcript NM_144596.4 (MANE Select); coding-DNA position 5, G replaced by A.
Protein change: p.Ser2Asn; replaces serine 2 with asparagine.
Molecular consequence: missense variant. On other transcripts: 5 prime UTR variant (2), non-coding transcript variant (1).
Genome position (GRCh38, 1-based): chr14:88,824,712, G>A. VCF-style: chr14-88824712-G-A. GRCh37 (hg19) VCF-style: chr14-89291056-G-A.
Other names: c.5G>A, p.Ser2Asn (NM_001288781.1, NM_001366535.2, NM_001366536.2 and 2 more transcripts); c.-558G>A (NM_001288782.1); c.-653G>A (NM_001288783.1); short protein forms S2N.
Identifiers: ClinVar variation 314797 (VCV000314797.10), dbSNP rs199571677, ClinGen allele CA7302304.